The following is an entry in ClinVar:

ClinVar aggregate classification (germline): Uncertain significance. Review status: criteria provided, multiple submitters, no conflicts (2 of 4 stars). 2 submissions from 2 submitters: Uncertain significance (2). Last evaluated 2025-07-14.

Conditions:
Inborn genetic diseases. Identifiers: MedGen C0950123, MeSH D030342.

gnomAD v4.1: 32 of 1,610,224 alleles (0.002%); highest among the groups gnomAD compares: Non-Finnish European, 0.0026%; no homozygotes.

Submissions (2):

Labcorp Genetics (formerly Invitae), Labcorp
Classification: Uncertain significance. Last evaluated: 2025-07-14. Review status: criteria provided, single submitter. Criteria: Invitae Variant Classification Sherloc (09022015). Collection method: clinical testing. Allele origin: germline.
Comment: This sequence change replaces glycine, which is neutral and non-polar, with cysteine, which is neutral and slightly polar, at codon 512 of the PDE8B protein (p.Gly512Cys). This variant is present in population databases (rs774186250, gnomAD 0.006%). This variant has not been reported in the literature in individuals affected with PDE8B-related conditions. ClinVar contains an entry for this variant (Variation ID: 3607624). An algorithm developed to predict the effect of missense changes on protein structure and function (PolyPhen-2) suggests that this variant is likely to be disruptive. In summary, the available evidence is currently insufficient to determine the role of this variant in disease. Therefore, it has been classified as a Variant of Uncertain Significance.

Ambry Genetics
Classification: Uncertain significance for Inborn genetic diseases. Last evaluated: 2025-06-18. Review status: criteria provided, single submitter. Criteria: Ambry Variant Classification Scheme 2023. Collection method: clinical testing. Allele origin: germline.

NM_003719.5(PDE8B):c.1534G>T (p.Gly512Cys)

Gene: PDE8B (phosphodiesterase 8B; plus strand). Cytogenetic location: 5q13.3.
Variant type: single nucleotide variant.
Coding change: c.1534G>T on transcript NM_003719.5 (MANE Select); coding-DNA position 1534, G replaced by T.
Protein change: p.Gly512Cys; replaces glycine 512 with cysteine.
Molecular consequence: missense variant.
Genome position (GRCh38, 1-based): chr5:77,411,679, G>T. VCF-style: chr5-77411679-G-T. GRCh37 (hg19) VCF-style: chr5-76707504-G-T.
Other names: c.1243G>T, p.Gly415Cys (NM_001029851.4); c.1369G>T, p.Gly457Cys (NM_001029852.4); c.1474G>T, p.Gly492Cys (NM_001029853.4); c.1393G>T, p.Gly465Cys (NM_001029854.4); c.1534G>T (NM_003719.3); c.1531G>T, p.Gly511Cys (NM_001349748.3, NM_001349751.3); c.1597G>T, p.Gly533Cys (NM_001349749.3); c.1294G>T, p.Gly432Cys (NM_001349750.3); and 13 more; short protein forms G291C, G294C, G314C, G363C, G364C, G384C, G388C, G391C.
Identifiers: ClinVar variation 3607624 (VCV003607624.3).